The following is an entry in ClinVar:

NM_004168.4(SDHA):c.1841A>C (p.Gln614Pro)

Gene: SDHA (succinate dehydrogenase complex flavoprotein subunit A; plus strand). Cytogenetic location: 5p15.33.
Variant type: single nucleotide variant.
Coding change: c.1841A>C on transcript NM_004168.4 (MANE Select); coding-DNA position 1841, A replaced by C.
Protein change: p.Gln614Pro; replaces glutamine 614 with proline.
Molecular consequence: missense variant.
Genome position (GRCh38, 1-based): chr5:254,439, A>C. VCF-style: chr5-254439-A-C. GRCh37 (hg19) VCF-style: chr5-254554-A-C.
Other names: c.1697A>C, p.Gln566Pro (NM_001294332.2); c.1598A>C, p.Gln533Pro (NM_001330758.2); short protein forms Q533P, Q566P, Q614P.
Identifiers: ClinVar variation 2567106 (VCV002567106.3), dbSNP rs2477476570, ClinGen allele CA359001892.

ClinVar aggregate classification (germline): Uncertain significance (1 of 4 stars; one submission).

Conditions:
Hereditary cancer-predisposing syndrome. Also called: Hereditary neoplastic syndrome; Hereditary Cancer Syndrome; Neoplastic Syndromes, Hereditary; Tumor predisposition. Identifiers: Orphanet 140162, MedGen C0027672, MeSH D009386, MONDO:0015356.

Submission:

Ambry Genetics
Classification: Uncertain significance for Hereditary cancer-predisposing syndrome. Last evaluated: 2025-12-09. Review status: criteria provided, single submitter. Criteria: Ambry Variant Classification Scheme 2023. Collection method: clinical testing. Allele origin: germline.
Comment: The p.Q614P variant (also known as c.1841A>C), located in coding exon 14 of the SDHA gene, results from an A to C substitution at nucleotide position 1841. The glutamine at codon 614 is replaced by proline, an amino acid with similar properties. This amino acid position is conserved. In addition, the in silico prediction for this alteration is inconclusive. Based on the available evidence, the clinical significance of this variant remains unclear.